The following is an entry in ClinVar:

ClinVar aggregate classification (germline): Uncertain significance. Review status: criteria provided, multiple submitters, no conflicts (2 of 4 stars). 3 submissions from 3 submitters: Uncertain significance (2). 1 of the submissions does not count toward it. Last evaluated 2025-04-29.

Conditions:
Joubert syndrome. Also called: Familial aplasia of the vermis; JOUBERT-BOLTSHAUSER SYNDROME. Identifiers: Orphanet 475, MedGen C5979921, MONDO:0018772.
Orofaciodigital syndrome I (OFD1). Also called: Papillon-Leage and Psaume Syndrome; OFDS I; Oral-Facial-Digital Syndrome Type I. Identifiers: Orphanet 2750, MedGen C1510460, MONDO:0010702, OMIM 311200.

Allele frequency attached by ClinVar (database versions not stated): gnomAD exomes 0.00002.
gnomAD v4.1: 7 of 1,207,199 alleles (0.00058%); highest among the groups gnomAD compares: Non-Finnish European, 0.00079%; no homozygotes.

Submissions (3):

Labcorp Genetics (formerly Invitae), Labcorp
Classification: Uncertain significance for Orofaciodigital syndrome I; Joubert syndrome. Last evaluated: 2025-04-29. Review status: criteria provided, single submitter. Criteria: Invitae Variant Classification Sherloc (09022015). Collection method: clinical testing. Allele origin: germline.
Comment: This sequence change replaces serine, which is neutral and polar, with phenylalanine, which is neutral and non-polar, at codon 76 of the OFD1 protein (p.Ser76Phe). This variant is not present in population databases (gnomAD no frequency). This missense change has been observed in individual(s) with clinical features of X-linked recessive primary ciliary dyskinesia (internal data). ClinVar contains an entry for this variant (Variation ID: 592034). Invitae Evidence Modeling of protein sequence and biophysical properties (such as structural, functional, and spatial information, amino acid conservation, physicochemical variation, residue mobility, and thermodynamic stability) has been performed for this missense variant. However, the output from this modeling did not meet the statistical confidence thresholds required to predict the impact of this variant on OFD1 protein function. In summary, the available evidence is currently insufficient to determine the role of this variant in disease. Therefore, it has been classified as a Variant of Uncertain Significance.

Blueprint Genetics
Classification: Uncertain significance. Last evaluated: 2022-07-22. Review status: criteria provided, single submitter. Criteria: ACMG Guidelines, 2015. Collection method: clinical testing. Allele origin: germline.

Gharavi Laboratory, Columbia University
Classification: Uncertain significance. Last evaluated: 2018-09-16. Review status: no assertion criteria provided. Criteria: ACMG Guidelines, 2015. Collection method: research. Allele origin: germline. Affected: yes. Not counted in ClinVar's aggregate classification.

NM_003611.3(OFD1):c.227C>T (p.Ser76Phe)

Gene: OFD1 (OFD1 centriole and centriolar satellite protein; plus strand). Cytogenetic location: Xp22.2.
Variant type: single nucleotide variant.
Coding change: c.227C>T on transcript NM_003611.3 (MANE Select); coding-DNA position 227, C replaced by T.
Protein change: p.Ser76Phe; replaces serine 76 with phenylalanine.
Molecular consequence: missense variant. On other transcripts: 5 prime UTR variant (1).
Genome position (GRCh38, 1-based): chrX:13,736,593, C>T. VCF-style: chrX-13736593-C-T. GRCh37 (hg19) VCF-style: chrX-13754712-C-T.
Other names: c.227C>T, p.Ser76Phe (NM_001330209.2); c.-319C>T (NM_001330210.2); short protein forms S76F.
Identifiers: ClinVar variation 592034 (VCV000592034.8), dbSNP rs1569102409, ClinGen allele CA412333388.